The following is an entry in ClinVar:

ClinVar aggregate classification (germline): Uncertain significance (1 of 4 stars; one submission).

Conditions:
Hereditary cancer-predisposing syndrome. Also called: Hereditary neoplastic syndrome; Tumor predisposition; Hereditary Cancer Syndrome; Neoplastic Syndromes, Hereditary. Identifiers: Orphanet 140162, MedGen C0027672, MeSH D009386, MONDO:0015356.

Submission:

Ambry Genetics
Classification: Uncertain significance for Hereditary cancer-predisposing syndrome. Last evaluated: 2023-07-31. Review status: criteria provided, single submitter. Criteria: Ambry Variant Classification Scheme 2023. Collection method: clinical testing. Allele origin: germline.
Comment: The p.T9K variant (also known as c.26C>A), located in coding exon 2 of the PMS2 gene, results from a C to A substitution at nucleotide position 26. The threonine at codon 9 is replaced by lysine, an amino acid with similar properties. This amino acid position is conserved. In addition, the in silico prediction for this alteration is inconclusive. Since supporting evidence is limited at this time, the clinical significance of this alteration remains unclear.

NM_000535.7(PMS2):c.26C>A (p.Thr9Lys)

Gene: PMS2 (PMS1 homolog 2, mismatch repair system component; minus strand). Cytogenetic location: 7p22.1.
Variant type: single nucleotide variant.
Coding change: c.26C>A on transcript NM_000535.7 (MANE Select); coding-DNA position 26, C replaced by A.
Protein change: p.Thr9Lys; replaces threonine 9 with lysine.
Molecular consequence: missense variant. On other transcripts: 5 prime UTR variant (23), non-coding transcript variant (1), intron variant (22).
Genome position (GRCh38, 1-based): chr7:6,006,029, G>T on the plus strand (C>A on the coding strand, the complement: PMS2 is on the minus strand). VCF-style: chr7-6006029-G-T. GRCh37 (hg19) VCF-style: chr7-6045660-G-T.
Other names: c.-380C>A (NM_001322005.2, NM_001406891.1, NM_001406893.1 and 1 more transcripts); c.26C>A, p.Thr9Lys (NM_001322006.2, NM_001322014.2, NM_001406868.1 and 10 more transcripts); c.-190C>A (NM_001322007.2, NM_001406876.1, NM_001406896.1 and 2 more transcripts); c.-859C>A (NM_001322011.2); c.212C>A, p.Thr71Lys (NM_001406866.1); c.-459C>A (NM_001406875.1, NM_001406877.1, NM_001406878.1 and 1 more transcripts); c.-406C>A (NM_001406880.1); c.-327C>A (NM_001406888.1, NM_001406892.1, NM_001406894.1 and 3 more transcripts); and 12 more; short protein forms T9K, T71K.
Identifiers: ClinVar variation 2586334 (VCV002586334.2), dbSNP rs1210073386, ClinGen allele CA366745201.